The following is an entry in ClinVar:

NM_000261.2(MYOC):c.898G>T (p.Glu300Ter)

Gene: MYOC (myocilin; minus strand). Cytogenetic location: 1q24.3.
Variant type: single nucleotide variant.
Coding change: c.898G>T on transcript NM_000261.2 (MANE Select); coding-DNA position 898, G replaced by T.
Protein change: p.Glu300Ter; replaces glutamic acid 300 with a stop codon.
Molecular consequence: nonsense.
Genome position (GRCh38, 1-based): chr1:171,636,542, C>A on the plus strand (G>T on the coding strand, the complement: MYOC is on the minus strand). VCF-style: chr1-171636542-C-A. GRCh37 (hg19) VCF-style: chr1-171605682-C-A.
Other names: NM_000261.2(MYOC):c.898G>T; p.Glu300Ter; short protein forms E300*.
Identifiers: ClinVar variation 1324771 (VCV001324771.6), dbSNP rs748621461, ClinGen allele CA343725609.

ClinVar aggregate classification (germline): Uncertain significance. Review status: reviewed by expert panel (3 of 4 stars). 2 submissions from 2 submitters: Uncertain significance (1). 1 of the submissions does not count toward it. Last evaluated 2025-12-03.

Conditions:
Glaucoma 1, open angle, A (GLC1A). Also called: Glaucoma, Dominant (Juvenile Onset). Identifiers: Orphanet 98977, MedGen C1842028, MONDO:0007664, OMIM 137750.
Open-angle glaucoma. Identifiers: MedGen C0017612, MONDO:0005338, HP:0012108.

Submissions (2):

ClinGen Glaucoma Variant Curation Expert Panel
Classification: Uncertain significance for Open-angle glaucoma. Last evaluated: 2025-12-03. Review status: reviewed by expert panel. Criteria: ClinGen Glaucoma ACMG Specifications V2.0.0 Approved. Collection method: curation. Allele origin: germline. Inheritance: Autosomal dominant inheritance.
Comment: The c.898G>T variant in MYOC is predicted to cause a change in the length of the protein due to the insertion of a terminating codon instead of the usual Glutamic Acid at amino acid 300 (p.Glu300Ter). This variant is predicted to cause a deletion of ≥ 10% of the protein within the conserved olfactomedin domain, meeting PM4. PVS1 did not apply, as the disease mechanism for MYOC variants associated with primary open angle glaucoma is not loss-of-function. This variant was not found in any genetic ancestry group of gnomAD (v4.1.0), meeting the ≤ 0.0001 threshold set for PM2_Supporting in a genetic ancestry group of at least 10,000 alleles. There was no computational or functional evidence predicting a damaging or benign impact of this variant on MYOC function. This variant was identified in laboratory based testing, but has not yet been found in a proband with juvenile or primary open angle glaucoma, thus PS4 did not apply. In summary, this variant met the criteria to receive a score of 3 and to be classified as a variant of uncertain significance (uncertain significance classification range -1 to 5, adapted from PMID: 32720330) for primary open angle glaucoma based on the ACMG/AMP criteria met, as specified by the ClinGen Glaucoma VCEP (v2.0.0, 5 Dec 2024): PM4, PM2_Supporting.

Revvity Omics, Revvity
Classification: Likely pathogenic for Glaucoma 1, open angle, A. Last evaluated: 2021-08-20. Review status: criteria provided, single submitter. Criteria: ACMG Guidelines, 2015. Collection method: clinical testing. Allele origin: germline. Not counted in ClinVar's aggregate classification.